The following is an entry in ClinVar:

NM_024422.6(DSC2):c.1642dup (p.Thr548fs)

Gene: DSC2 (desmocollin 2; minus strand). Cytogenetic location: 18q12.1.
Variant type: Duplication.
Coding change: c.1642dup on transcript NM_024422.6 (MANE Select); coding-DNA position 1642, one base duplicated (A; older notation c.1642dupA).
Protein change: p.Thr548fs; shifts the reading frame from threonine 548.
Molecular consequence: frameshift variant.
Genome position (GRCh38, 1-based): chr18:31,079,868, T duplicated on the plus strand (A on the coding strand, the reverse complement: DSC2 is on the minus strand). VCF-style (leftmost placement, unchanged base first): chr18-31079867-G-GT. GRCh37 (hg19) VCF-style: chr18-28659833-G-GT.
Other names: c.1213dup, p.Thr405fs (NM_001406506.1, NM_001406507.1); c.1642dup, p.Thr548fs (NM_004949.5); short protein forms T405fs, T548fs.
Identifiers: ClinVar variation 3386522 (VCV003386522.1).

ClinVar aggregate classification (germline): Uncertain significance (1 of 4 stars; one submission).

Conditions:
Familial isolated arrhythmogenic right ventricular dysplasia. Identifiers: Orphanet 217656, MedGen C4274968, MONDO:0016342.

Submission:

All of Us Research Program, National Institutes of Health
Classification: Uncertain significance for Familial isolated arrhythmogenic right ventricular dysplasia. Last evaluated: 2024-03-24. Review status: criteria provided, single submitter. Criteria: ACMG Guidelines, 2015. Collection method: clinical testing. Allele origin: germline. Inheritance: Autosomal dominant inheritance. Observed: 1 variant allele, 1 heterozygote.
Comment: This variant inserts 1 nucleotide in exon 11/16 of the DSC2 gene, creating a frameshift and premature translation stop signal. This variant is expected to result in an absent or non-functional protein product. To our knowledge, this variant has not been reported in individuals affected with DSC2-related disorders in the literature. This variant has not been identified in the general population by the Genome Aggregation Database (gnomAD). Although there is a suspicion for a pathogenic role, the clinical relevance of loss-of-function DSC2 truncation and splice variants in autosomal dominant arrhythmogenic cardiomyopathy is not yet clearly established. The available evidence is insufficient to determine the role of this variant in disease conclusively. Therefore, this variant is classified as a Variant of Uncertain Significance.

This study involves interpretation of variants in research participants for the purpose of population health screening. Participant phenotype was not available at the time of variant classification. Additional details can be found in publication PMID: 35346344, PMCID: PMC8962531